The following is an entry in ClinVar:

ClinVar aggregate classification (germline): Uncertain significance (1 of 4 stars; one submission).

Conditions:
Mucopolysaccharidosis, MPS-IV-A (MPS4A). Also called: Mucopolysaccharidosis type IV A; Mucopolysaccharidosis Type IVA; Morquio syndrome A, mild; MORQUIO SYNDROME A; MPS IVA; mucopolysaccharidosis type 4A. Identifiers: Orphanet 309297, Orphanet 582, MedGen C0086651, MONDO:0009659, OMIM 253000.

Submission:

Laboratory of Diagnosis and Therapy of Lysosomal Disorders, University of Padova
Classification: Uncertain significance for Mucopolysaccharidosis, MPS-IV-A. Last evaluated: 2021-02-01. Review status: criteria provided, single submitter. Criteria: ACMG Guidelines, 2015. Collection method: curation. Allele origin: germline. Affected: yes.
Comment: Absent from gnomAD v2.1.1 (PM2_moderate)

Literature cited by the submitters: PubMed 15241807; PubMed 16287098; PubMed 34387910.

NM_000512.5(GALNS):c.67G>C (p.Gly23Arg)

Genes: GALNS (galactosamine (N-acetyl)-6-sulfatase; minus strand), TRAPPC2L (trafficking protein particle complex subunit 2L; plus strand), LOC130059762 (ATAC-STARR-seq lymphoblastoid silent region 7883; plus strand). Cytogenetic location: 16q24.3.
Variant type: single nucleotide variant.
Coding change: c.67G>C on transcript NM_000512.5 (MANE Select); coding-DNA position 67, G replaced by C.
Protein change: p.Gly23Arg; replaces glycine 23 with arginine.
Molecular consequence: missense variant. On other transcripts: 5 prime UTR variant (2).
Genome position (GRCh38, 1-based): chr16:88,856,811, C>G on the plus strand (G>C on the coding strand, the complement: GALNS is on the minus strand). VCF-style: chr16-88856811-C-G. GRCh37 (hg19) VCF-style: chr16-88923219-C-G.
Other names: c.-365G>C (NM_001323543.2); c.-86G>C (NM_001323544.2); short protein forms G23R.
Identifiers: ClinVar variation 1048251 (VCV001048251.3), dbSNP rs2143013593, ClinGen allele CA397101395.